The following is an entry in ClinVar:

ClinVar aggregate classification (germline): Likely benign (0 of 4 stars; one submission).

Conditions:
TALDO1-related disorder. Also called: TALDO1-related condition.

gnomAD v4.1: 1 of 1,613,212 alleles (0.000062%); highest among the groups gnomAD compares: Admixed American, 0.0017%; no homozygotes.

Submission:

PreventionGenetics, part of Exact Sciences
Classification: Likely benign for TALDO1-related condition. Last evaluated: 2022-03-30. Review status: no assertion criteria provided. Collection method: clinical testing. Allele origin: germline.
Comment: This variant is classified as likely benign based on ACMG/AMP sequence variant interpretation guidelines (Richards et al. 2015 PMID: 25741868, with internal and published modifications).

NM_006755.2(TALDO1):c.291G>A (p.Lys97=)

Gene: TALDO1 (transaldolase 1; plus strand). Cytogenetic location: 11p15.5.
Variant type: single nucleotide variant.
Coding change: c.291G>A on transcript NM_006755.2 (MANE Select); coding-DNA position 291, G replaced by A.
Protein change: p.Lys97=; no amino-acid change (lysine 97 retained).
Molecular consequence: synonymous variant.
Genome position (GRCh38, 1-based): chr11:759,019, G>A. VCF-style: chr11-759019-G-A. GRCh37 (hg19) VCF-style: chr11-759019-G-A.
Identifiers: ClinVar variation 3352040 (VCV003352040.1).